The following is an entry in ClinVar:

ClinVar aggregate classification (germline): Pathogenic. Review status: criteria provided, multiple submitters, no conflicts (2 of 4 stars). 3 submissions from 3 submitters: Pathogenic (3). Last evaluated 2024-03-27.

Conditions:
Paediatric disorders.
RASopathy. Also called: rasopathies; Noonan spectrum disorder. Identifiers: Orphanet 536391, MedGen C5555857, MONDO:0021060.
Costello syndrome (CSTLO). Also called: FACIOCUTANEOSKELETAL SYNDROME; FCS SYNDROME; HRAS-Related Costello Syndrome. Identifiers: Orphanet 3071, MedGen C0587248, MONDO:0009026, OMIM 218040.

Submissions (3):

North West Genomic Laboratory Hub, Manchester University NHS Foundation Trust
Classification: Pathogenic for Paediatric disorders. Last evaluated: 2024-03-27. Review status: criteria provided, single submitter. Criteria: ACGS Best Practice Guidelines for Variant Classification in Rare Disease 2020. Collection method: clinical testing. Allele origin: germline. Affected: yes.
Comment: PM1_Mod PS3_Str PP3_Supp PM2_Mod PP1_Mod

Institute of Medical Genetics, University of Zurich
Classification: Pathogenic for RASopathy. Last evaluated: 2023-01-05. Review status: criteria provided, single submitter. Criteria: ACMG Guidelines, 2015. Collection method: clinical testing. Allele origin: germline. Affected: yes. Observed: 6 variant alleles.

Juno Genomics, Hangzhou Juno Genomics, Inc
Classification: Pathogenic for Costello syndrome. Review status: criteria provided, single submitter. Criteria: ACMG Guidelines, 2015. Collection method: clinical testing. Allele origin: germline. Affected: yes.
Comment: Absent from controls (or at extremely low frequency if recessive) in Genome Aggregation Database.;Multiple lines of computational evidence support a deleterious effect on the gene or gene product.;Located in a mutational hot spot and/or critical and well-established functional domain without benign variation.;Novel missense change at an amino acid residue where a different missense change determined to be pathogenic has been seen before.;Co-segregation with disease in multiple affected family members.

NM_005343.4(HRAS):c.176C>G (p.Ala59Gly)

Genes: HRAS (HRas proto-oncogene, GTPase; minus strand), LRRC56 (leucine rich repeat containing 56; plus strand). Cytogenetic location: 11p15.5.
Variant type: single nucleotide variant.
Coding change: c.176C>G on transcript NM_005343.4 (MANE Select); coding-DNA position 176, C replaced by G.
Protein change: p.Ala59Gly; replaces alanine 59 with glycine.
Molecular consequence: missense variant. On other transcripts: 5 prime UTR variant (1).
Genome position (GRCh38, 1-based): chr11:533,880, G>C on the plus strand (C>G on the coding strand, the complement: HRAS is on the minus strand). VCF-style: chr11-533880-G-C. GRCh37 (hg19) VCF-style: chr11-533880-G-C.
Other names: c.176C>G, p.Ala59Gly (NM_001130442.3, NM_176795.5); c.-144C>G (NM_001318054.2); short protein forms A59G.
Identifiers: ClinVar variation 1810343 (VCV001810343.4), dbSNP rs2133991112, ClinGen allele CA378924683.